The following is an entry in ClinVar:

NM_022039.4(FBXW4):c.521C>G (p.Ala174Gly)

Genes: FBXW4 (F-box and WD repeat domain containing 4; minus strand), LOC130004563 (ATAC-STARR-seq lymphoblastoid silent region 2723; plus strand). Cytogenetic location: 10q24.32.
Variant type: single nucleotide variant.
Coding change: c.521C>G on transcript NM_022039.4 (MANE Select); coding-DNA position 521, C replaced by G.
Protein change: p.Ala174Gly; replaces alanine 174 with glycine.
Molecular consequence: missense variant. On other transcripts: non-coding transcript variant (1), intron variant (1).
Genome position (GRCh38, 1-based): chr10:101,694,585, G>C on the plus strand (C>G on the coding strand, the complement: FBXW4 is on the minus strand). VCF-style: chr10-101694585-G-C. GRCh37 (hg19) VCF-style: chr10-103454342-G-C.
Other names: c.-2+655C>G (NM_001323541.2); c.56C>G (NM_022039.3); short protein forms A174G.
Identifiers: ClinVar variation 1408837 (VCV001408837.8), dbSNP rs758387288, ClinGen allele CA5657485.

ClinVar aggregate classification (germline): Uncertain significance. Review status: criteria provided, multiple submitters, no conflicts (2 of 4 stars). 2 submissions from 2 submitters: Uncertain significance (2). Last evaluated 2025-10-01.

Allele frequency attached by ClinVar (database versions not stated): 1000 Genomes Project 30x 0.00016; gnomAD exomes 0.00016.
gnomAD v4.1: 326 of 1,459,246 alleles (0.022%); highest among the groups gnomAD compares: Non-Finnish European, 0.026%; no homozygotes.

Submissions (2):

Ambry Genetics
Classification: Uncertain significance. Last evaluated: 2025-10-01. Review status: criteria provided, single submitter. Criteria: Ambry Variant Classification Scheme 2023. Collection method: clinical testing. Allele origin: germline.

Labcorp Genetics (formerly Invitae), Labcorp
Classification: Uncertain significance. Last evaluated: 2022-06-05. Review status: criteria provided, single submitter. Criteria: Invitae Variant Classification Sherloc (09022015). Collection method: clinical testing. Allele origin: germline.
Comment: This variant has not been reported in the literature in individuals affected with FBXW4-related conditions. In summary, the available evidence is currently insufficient to determine the role of this variant in disease. Therefore, it has been classified as a Variant of Uncertain Significance. Algorithms developed to predict the effect of sequence changes on RNA splicing suggest that this variant may create or strengthen a splice site. Algorithms developed to predict the effect of missense changes on protein structure and function are either unavailable or do not agree on the potential impact of this missense change (SIFT: "Tolerated"; PolyPhen-2: "Not Available"; Align-GVGD: "Class C0"). ClinVar contains an entry for this variant (Variation ID: 1408837). This variant is present in population databases (rs758387288, gnomAD 0.04%). This sequence change replaces alanine, which is neutral and non-polar, with glycine, which is neutral and non-polar, at codon 19 of the FBXW4 protein (p.Ala19Gly).